The following is an entry in ClinVar:

NM_000091.5(COL4A3):c.3866del (p.Gly1289fs)

Genes: COL4A3 (collagen type IV alpha 3 chain; plus strand), MFF-DT (MFF divergent transcript; minus strand). Cytogenetic location: 2q36.3.
Variant type: Deletion.
Coding change: c.3866del on transcript NM_000091.5 (MANE Select); coding-DNA position 3866, one base deleted (G; older notation c.3866delG).
Protein change: p.Gly1289fs; shifts the reading frame from glycine 1289.
Molecular consequence: frameshift variant.
Genome position (GRCh38, 1-based): chr2:227,298,796, G deleted; the last of 3 consecutive G bases (chr2:227,298,794-227,298,796); deleting any one gives the same sequence. VCF-style (leftmost placement, unchanged base first): chr2-227298793-TG-T. GRCh37 (hg19) VCF-style: chr2-228163509-TG-T.
Other names: c.3866del (NM_000091.4); c.3866delG, p.Gly1289Aspfs (NM_000091.4); short protein forms G1289fs.
Identifiers: ClinVar variation 2203282 (VCV002203282.5), dbSNP rs2469886224, ClinGen allele CA2580066003.

ClinVar aggregate classification (germline): Pathogenic. Review status: criteria provided, multiple submitters, no conflicts (2 of 4 stars). 2 submissions from 2 submitters: Pathogenic (2). Last evaluated 2025-12-05.

Conditions:
Alport syndrome. Also called: Hemorrhagic familial nephritis; Hemorrhagic hereditary nephritis; Congenital hereditary hematuria. Identifiers: Orphanet 63, MedGen C1567741, MONDO:0018965.

Submissions (2):

Natera, Inc.
Classification: Pathogenic for Alport syndrome. Last evaluated: 2025-12-05. Review status: criteria provided, single submitter. Criteria: Natera Variant Classification Schema (03/2026). Collection method: clinical testing. Allele origin: germline.
Comment: The c.3866del variant in COL4A3 is a frameshift variant predicted to shift the reading frame beginning at codon 1289 and leads to a stop codon 29 codons downstream. This variant is expected to result in nonsense mediated decay, truncation, or a dysfunctional protein product. This variant is rare in the general population with a frequency below the threshold expected for the associated phenotype(s). This variant has been observed in one or more individuals affected with the associated recessive disease, as either homozygous or compound heterozygous with a second variant (PMID: 24052634). Given the available evidence, this variant is classified as Pathogenic.

Labcorp Genetics (formerly Invitae), Labcorp
Classification: Pathogenic. Last evaluated: 2024-02-25. Review status: criteria provided, single submitter. Criteria: Invitae Variant Classification Sherloc (09022015). Collection method: clinical testing. Allele origin: germline.
Comment: This sequence change creates a premature translational stop signal (p.Gly1289Aspfs*29) in the COL4A3 gene. It is expected to result in an absent or disrupted protein product. Loss-of-function variants in COL4A3 are known to be pathogenic (PMID: 8956999, 24854265, 26809805, 27281700). This variant is not present in population databases (gnomAD no frequency). This premature translational stop signal has been observed in individual(s) with Alport syndrome (PMID: 24052634). ClinVar contains an entry for this variant (Variation ID: 2203282). For these reasons, this variant has been classified as Pathogenic.

Literature cited by the submitters: PubMed 24052634 (cited by Natera, Inc. and Labcorp Genetics (formerly Invitae), Labcorp); PubMed 8956999 (cited by Labcorp Genetics (formerly Invitae), Labcorp); PubMed 24854265 (cited by Labcorp Genetics (formerly Invitae), Labcorp); PubMed 26809805 (cited by Labcorp Genetics (formerly Invitae), Labcorp); PubMed 27281700 (cited by Labcorp Genetics (formerly Invitae), Labcorp).